The following is an entry in ClinVar:

ClinVar aggregate classification (germline): Likely benign (1 of 4 stars; one submission).

Submission:

CeGaT Center for Human Genetics Tuebingen
Classification: Likely benign. Last evaluated: 2023-03-01. Review status: criteria provided, single submitter. Criteria: CeGaT Center For Human Genetics Tuebingen Variant Classification Criteria Version 2. Collection method: clinical testing. Allele origin: germline. Affected: yes. Observed: 1 variant allele.
Comment: HNMT: PM2:Supporting, BP4, BP7

NM_006895.3(HNMT):c.600A>G (p.Thr200=)

Gene: HNMT (histamine N-methyltransferase; plus strand). Cytogenetic location: 2q22.1.
Variant type: single nucleotide variant.
Coding change: c.600A>G on transcript NM_006895.3 (MANE Select); coding-DNA position 600, A replaced by G.
Protein change: p.Thr200=; no amino-acid change (threonine 200 retained).
Molecular consequence: synonymous variant.
Genome position (GRCh38, 1-based): chr2:138,013,851, A>G. VCF-style: chr2-138013851-A-G. GRCh37 (hg19) VCF-style: chr2-138771421-A-G.
Identifiers: ClinVar variation 2651383 (VCV002651383.24), dbSNP rs2467386492, ClinGen allele CA429193238.
Genomic context (GRCh38, chr2:138,013,851, plus strand): 5'-CAAGCTGTGGAAAAAGTACGGATCACGCTTTCCCCAGGATGACCTCTGCCAGTATATCAC[A>G]TCAGATGACCTCACTCAGATGCTGGACAACCTAGGGCTTAAGTATGAGTGCTATGACCTT-3'
Protein context (NP_008826.1, residues 190-210): FPQDDLCQYI[Thr200=]SDDLTQMLDN